The following is an entry in ClinVar:

ClinVar aggregate classification (germline): Uncertain significance. Review status: criteria provided, multiple submitters, no conflicts (2 of 4 stars). 2 submissions from 2 submitters: Uncertain significance (2). Last evaluated 2024-12-30.

Conditions:
Ullrich congenital muscular dystrophy 2 (UCMD2). Identifiers: Orphanet 75840, MedGen C4225314, MONDO:0014654, OMIM 616470.
Bethlem myopathy 2 (BTHLM2). Identifiers: Orphanet 536516, Orphanet 610, MedGen C4225313, MONDO:0034022, OMIM 616471.

Allele frequency attached by ClinVar (database versions not stated): gnomAD exomes below 0.00001; gnomAD 0.00001; TOPMed 0.00001.
gnomAD v4.1: 10 of 1,611,900 alleles (0.00062%); highest among the groups gnomAD compares: Admixed American, 0.0067%; no homozygotes.

Submissions (2):

Labcorp Genetics (formerly Invitae), Labcorp
Classification: Uncertain significance for Bethlem myopathy 2; Ullrich congenital muscular dystrophy 2. Last evaluated: 2024-12-30. Review status: criteria provided, single submitter. Criteria: Invitae Variant Classification Sherloc (09022015). Collection method: clinical testing. Allele origin: germline.
Comment: This sequence change replaces serine, which is neutral and polar, with alanine, which is neutral and non-polar, at codon 82 of the COL12A1 protein (p.Ser82Ala). This variant is present in population databases (no rsID available, gnomAD 0.003%). This variant has not been reported in the literature in individuals affected with COL12A1-related conditions. ClinVar contains an entry for this variant (Variation ID: 999050). Invitae Evidence Modeling of protein sequence and biophysical properties (such as structural, functional, and spatial information, amino acid conservation, physicochemical variation, residue mobility, and thermodynamic stability) indicates that this missense variant is not expected to disrupt COL12A1 protein function with a negative predictive value of 80%. In summary, the available evidence is currently insufficient to determine the role of this variant in disease. Therefore, it has been classified as a Variant of Uncertain Significance.

Breakthrough Genomics
Classification: Uncertain significance. Review status: criteria provided, single submitter. Criteria: ACMG Guidelines, 2015. Collection method: not provided. Allele origin: germline. Inheritance: Autosomal recessive inheritance. Affected: yes.

NM_004370.6(COL12A1):c.244T>G (p.Ser82Ala)

Gene: COL12A1 (collagen type XII alpha 1 chain; minus strand). Cytogenetic location: 6q13.
Variant type: single nucleotide variant.
Coding change: c.244T>G on transcript NM_004370.6 (MANE Select); coding-DNA position 244, T replaced by G.
Protein change: p.Ser82Ala; replaces serine 82 with alanine.
Molecular consequence: missense variant. On other transcripts: intron variant (1).
Genome position (GRCh38, 1-based): chr6:75,192,302, A>C on the plus strand (T>G on the coding strand, the complement: COL12A1 is on the minus strand). VCF-style: chr6-75192302-A-C. GRCh37 (hg19) VCF-style: chr6-75902018-A-C.
Other names: c.73+10418T>G (NM_080645.3); short protein forms S82A.
Identifiers: ClinVar variation 999050 (VCV000999050.10), dbSNP rs941358850, ClinGen allele CA141003371.